The following is an entry in ClinVar:

ClinVar aggregate classification (germline): Benign (0 of 4 stars; one submission).

Conditions:
SYNM-related disorder. Also called: SYNM-related condition.

Allele frequency attached by ClinVar (database versions not stated): gnomAD exomes 0.00003; gnomAD 0.00005.
gnomAD v4.1: 49 of 1,536,552 alleles (0.0032%); highest among the groups gnomAD compares: Middle Eastern, 0.023%; no homozygotes.

Submission:

PreventionGenetics, part of Exact Sciences
Classification: Benign for SYNM-related condition. Last evaluated: 2020-02-20. Review status: no assertion criteria provided. Collection method: clinical testing. Allele origin: germline.
Comment: This variant is classified as benign based on ACMG/AMP sequence variant interpretation guidelines (Richards et al. 2015 PMID: 25741868, with internal and published modifications).

NM_145728.3(SYNM):c.699G>A (p.Glu233=)

Gene: SYNM (synemin; plus strand). Cytogenetic location: 15q26.3.
Variant type: single nucleotide variant.
Coding change: c.699G>A on transcript NM_145728.3 (MANE Select); coding-DNA position 699, G replaced by A.
Protein change: p.Glu233=; no amino-acid change (glutamic acid 233 retained).
Molecular consequence: synonymous variant.
Genome position (GRCh38, 1-based): chr15:99,105,898, G>A. VCF-style: chr15-99105898-G-A. GRCh37 (hg19) VCF-style: chr15-99646104-G-A.
Other names: c.699G>A, p.Glu233= (NM_015286.6).
Identifiers: ClinVar variation 3052149 (VCV003052149.2), dbSNP rs782259134, ClinGen allele CA7753321.
Genomic context (GRCh38, chr15:99,105,898, plus strand): 5'-GCGGCGCGGCCAGGAGAGCAGACTCCAGGCGGAGGAAGAGACGCGGCTGTGCGCGCAGGA[G>A]GCAGAGGCGCTGCGGCGCGAGGCGCTCGGGTTGGAGCAGCTGCGCGCGCGGCTGGAGGAC-3'
Protein context (NP_663780.2, residues 223-243): AEEETRLCAQ[Glu233=]AEALRREALG